The following is an entry in ClinVar:

NM_002317.7(LOX):c.932C>G (p.Thr311Ser)

Genes: LOX (lysyl oxidase; minus strand), SRFBP1 (serum response factor binding protein 1; plus strand). Cytogenetic location: 5q23.1.
Variant type: single nucleotide variant.
Coding change: c.932C>G on transcript NM_002317.7 (MANE Select); coding-DNA position 932, C replaced by G.
Protein change: p.Thr311Ser; replaces threonine 311 with serine.
Molecular consequence: missense variant.
Genome position (GRCh38, 1-based): chr5:122,074,116, G>C on the plus strand (C>G on the coding strand, the complement: LOX is on the minus strand). VCF-style: chr5-122074116-G-C. GRCh37 (hg19) VCF-style: chr5-121409811-G-C.
Other names: c.932C>G (NM_002317.6, NM_002317.5); c.242C>G, p.Thr81Ser (NM_001178102.2); c.41C>G, p.Thr14Ser (NM_001317073.1); short protein forms T311S, T81S, T14S.
Identifiers: ClinVar variation 2091498 (VCV002091498.6), dbSNP rs1754541782, ClinGen allele CA360881703.

ClinVar aggregate classification (germline): Uncertain significance. Review status: criteria provided, multiple submitters, no conflicts (2 of 4 stars). 3 submissions from 3 submitters: Uncertain significance (3). Last evaluated 2025-08-31.

Conditions:
Cardiovascular phenotype. Identifiers: MedGen CN230736.

Allele frequency attached by ClinVar (database versions not stated): gnomAD 0.00001; TOPMed 0.00001.
gnomAD v4.1: 2 of 1,613,920 alleles (0.00012%); highest among the groups gnomAD compares: Admixed American, 0.0017%; no homozygotes.

Submissions (3):

Ambry Genetics
Classification: Uncertain significance for Cardiovascular phenotype. Last evaluated: 2025-08-31. Review status: criteria provided, single submitter. Criteria: Ambry Variant Classification Scheme 2023. Collection method: clinical testing. Allele origin: germline.
Comment: The p.T311S variant (also known as c.932C>G), located in coding exon 4 of the LOX gene, results from a C to G substitution at nucleotide position 932. The threonine at codon 311 is replaced by serine, an amino acid with similar properties. This amino acid position is conserved. In addition, this alteration is predicted to be tolerated by in silico analysis. Based on the available evidence, the clinical significance of this variant remains unclear.

GeneDx
Classification: Uncertain significance. Last evaluated: 2024-12-08. Review status: criteria provided, single submitter. Criteria: GeneDx Variant Classification Process June 2021. Collection method: clinical testing. Allele origin: germline. Affected: yes.
Comment: Not observed at significant frequency in large population cohorts (gnomAD); In silico analysis supports that this missense variant has a deleterious effect on protein structure/function; Has not been previously published as pathogenic or benign to our knowledge

Labcorp Genetics (formerly Invitae), Labcorp
Classification: Uncertain significance. Last evaluated: 2022-05-11. Review status: criteria provided, single submitter. Criteria: Invitae Variant Classification Sherloc (09022015). Collection method: clinical testing. Allele origin: germline.
Comment: This sequence change replaces threonine, which is neutral and polar, with serine, which is neutral and polar, at codon 311 of the LOX protein (p.Thr311Ser). This variant is not present in population databases (gnomAD no frequency). In summary, the available evidence is currently insufficient to determine the role of this variant in disease. Therefore, it has been classified as a Variant of Uncertain Significance. Algorithms developed to predict the effect of missense changes on protein structure and function are either unavailable or do not agree on the potential impact of this missense change (SIFT: "Not Available"; PolyPhen-2: "Benign"; Align-GVGD: "Not Available"). This variant has not been reported in the literature in individuals affected with LOX-related conditions.